The following is an entry in ClinVar:

ClinVar aggregate classification (germline): Uncertain significance (1 of 4 stars; one submission).

Conditions:
Peroxisome biogenesis disorder. Identifiers: Orphanet 79189, MedGen C1832200, MONDO:0019234. Disease mechanism: loss of function.

Allele frequency attached by ClinVar (database versions not stated): gnomAD exomes below 0.00001.

Submission:

Labcorp Genetics (formerly Invitae), Labcorp
Classification: Uncertain significance for Peroxisome biogenesis disorder. Last evaluated: 2021-08-27. Review status: criteria provided, single submitter. Criteria: Invitae Variant Classification Sherloc (09022015). Collection method: clinical testing. Allele origin: germline.
Comment: This sequence change replaces glycine with arginine at codon 196 of the PEX6 protein (p.Gly196Arg). The glycine residue is weakly conserved and there is a moderate physicochemical difference between glycine and arginine. This variant is not present in population databases (ExAC no frequency). This variant has not been reported in the literature in individuals affected with PEX6-related conditions. Algorithms developed to predict the effect of missense changes on protein structure and function are either unavailable or do not agree on the potential impact of this missense change (SIFT: "Tolerated"; PolyPhen-2: "Probably Damaging"; Align-GVGD: "Class C0"). In summary, the available evidence is currently insufficient to determine the role of this variant in disease. Therefore, it has been classified as a Variant of Uncertain Significance.

NM_000287.4(PEX6):c.586G>A (p.Gly196Arg)

Gene: PEX6 (peroxisomal biogenesis factor 6; minus strand). Cytogenetic location: 6p21.1.
Variant type: single nucleotide variant.
Coding change: c.586G>A on transcript NM_000287.4 (MANE Select); coding-DNA position 586, G replaced by A.
Protein change: p.Gly196Arg; replaces glycine 196 with arginine.
Molecular consequence: missense variant. On other transcripts: non-coding transcript variant (1).
Genome position (GRCh38, 1-based): chr6:42,978,565, C>T on the plus strand (G>A on the coding strand, the complement: PEX6 is on the minus strand). VCF-style: chr6-42978565-C-T. GRCh37 (hg19) VCF-style: chr6-42946303-C-T.
Other names: c.586G>A, p.Gly196Arg (NM_001316313.2); short protein forms G196R.
Identifiers: ClinVar variation 1015927 (VCV001015927.6), dbSNP rs1770412754, ClinGen allele CA364163704.